The following is an entry in ClinVar:

ClinVar aggregate classification (germline): Likely benign. Review status: criteria provided, single submitter (1 of 4 stars). 3 submissions from 3 submitters: Likely benign (1). 2 of the submissions do not count toward it. Last evaluated 2016-11-07.

Conditions:
BRCA1-related disorder. Also called: BRCA1-related condition.
Breast-ovarian cancer, familial, susceptibility to, 1 (BROVCA1). Also called: BRCA1 Hereditary Breast and Ovarian Cancer; OVARIAN CANCER, SUSCEPTIBILITY TO. Identifiers: Orphanet 145, MedGen C2676676, MONDO:0011450, OMIM 604370. Disease mechanism: loss of function.

Allele frequency attached by ClinVar (database versions not stated): gnomAD exomes 0.00003 and 0.00010; TOPMed 0.00008; gnomAD 0.00010; 1000 Genomes Project 30x 0.00016; ExAC 0.00019; 1000 Genomes Project 0.00020; ESP Exome Variant Server 0.00023.
gnomAD v4.1: 64 of 1,567,194 alleles (0.0041%); highest among the groups gnomAD compares: South Asian, 0.026%; 1 homozygote.

Submissions (3):

ARUP Laboratories, Molecular Genetics and Genomics, ARUP Laboratories
Classification: Likely benign. Last evaluated: 2016-11-07. Review status: criteria provided, single submitter. Criteria: ARUP Molecular Germline Variant Investigation Process. Collection method: clinical testing. Allele origin: germline.

PreventionGenetics, part of Exact Sciences
Classification: Likely benign for BRCA1-related condition. Last evaluated: 2024-05-13. Review status: no assertion criteria provided. Collection method: clinical testing. Allele origin: germline. Not counted in ClinVar's aggregate classification.
Comment: This variant is classified as likely benign based on ACMG/AMP sequence variant interpretation guidelines (Richards et al. 2015 PMID: 25741868, with internal and published modifications).

Breast Cancer Information Core (BIC) (BRCA1)
Classification: Uncertain significance for Breast-ovarian cancer, familial 1. Last evaluated: 2006-07-19. Review status: no assertion criteria provided. Collection method: clinical testing. Allele origin: germline. Affected: yes. Observed: 1 variant allele. Not counted in ClinVar's aggregate classification.

NM_007294.4(BRCA1):c.4185+30G>A

Gene: BRCA1 (BRCA1 DNA repair associated; minus strand). Cytogenetic location: 17q21.31.
Variant type: single nucleotide variant.
Coding change: c.4185+30G>A on transcript NM_007294.4 (MANE Select); 30 bases into the intron after coding-DNA position 4185, G replaced by A.
Molecular consequence: intron variant.
Genome position (GRCh38, 1-based): chr17:43,090,914, C>T on the plus strand (G>A on the coding strand, the complement: BRCA1 is on the minus strand). VCF-style: chr17-43090914-C-T. GRCh37 (hg19) VCF-style: chr17-41242931-C-T.
Other names: IVS12+30G>A; c.4041+30G>A (NM_001407749.1, NM_001407846.1, NM_001407943.1 and 20 more transcripts); c.612+30G>A (NM_001408501.1, NM_001408500.1, NM_001408497.1 and 3 more transcripts); c.735+30G>A (NM_001408455.1, NM_001408466.1, NM_001408452.1 and 11 more transcripts); c.4044+30G>A (NM_001407731.1, NM_001407695.1, NM_001407726.1 and 29 more transcripts); c.3975+30G>A (NM_001407889.1, NM_001407910.1, NM_001407904.1 and 13 more transcripts); c.666+30G>A (NM_001408513.1, NM_001408489.1, NM_001408479.1 and 9 more transcripts); c.609+30G>A (NM_001408503.1, NM_001408505.1, NM_001408504.1); and 42 more.
Identifiers: ClinVar variation 125691 (VCV000125691.10), dbSNP rs80358139, ClinGen allele CA002689.